The following is an entry in ClinVar:

ClinVar aggregate classification (germline): Uncertain significance (1 of 4 stars; one submission).

Allele frequency attached by ClinVar (database versions not stated): gnomAD exomes below 0.00001.
gnomAD v4.1: 1 of 1,613,782 alleles (0.000062%); highest among the groups gnomAD compares: Non-Finnish European, 0.000085%; no homozygotes.

Submission:

Labcorp Genetics (formerly Invitae), Labcorp
Classification: Uncertain significance. Last evaluated: 2023-12-30. Review status: criteria provided, single submitter. Criteria: Invitae Variant Classification Sherloc (09022015). Collection method: clinical testing. Allele origin: germline.
Comment: This sequence change replaces isoleucine, which is neutral and non-polar, with threonine, which is neutral and polar, at codon 685 of the ADGRE2 protein (p.Ile685Thr). This variant is not present in population databases (gnomAD no frequency). This variant has not been reported in the literature in individuals affected with ADGRE2-related conditions. An algorithm developed to predict the effect of missense changes on protein structure and function (PolyPhen-2) suggests that this variant is likely to be disruptive. In summary, the available evidence is currently insufficient to determine the role of this variant in disease. Therefore, it has been classified as a Variant of Uncertain Significance.

NM_013447.4(ADGRE2):c.2054T>C (p.Ile685Thr)

Gene: ADGRE2 (adhesion G protein-coupled receptor E2; minus strand). Cytogenetic location: 19p13.12.
Variant type: single nucleotide variant.
Coding change: c.2054T>C on transcript NM_013447.4 (MANE Select); coding-DNA position 2054, T replaced by C.
Protein change: p.Ile685Thr; replaces isoleucine 685 with threonine.
Molecular consequence: missense variant.
Genome position (GRCh38, 1-based): chr19:14,746,933, A>G on the plus strand (T>C on the coding strand, the complement: ADGRE2 is on the minus strand). VCF-style: chr19-14746933-A-G. GRCh37 (hg19) VCF-style: chr19-14857745-A-G.
Other names: c.1880T>C, p.Ile627Thr (NM_001271052.1); c.1907T>C, p.Ile636Thr (NM_152916.2); c.1775T>C, p.Ile592Thr (NM_152917.2); short protein forms I685T, I627T, I592T, I636T.
Identifiers: ClinVar variation 2706609 (VCV002706609.3), dbSNP rs2512983842, ClinGen allele CA404452225.